The following is an entry in ClinVar:

ClinVar aggregate classification (germline): Uncertain significance (1 of 4 stars; one submission).

Conditions:
3-methylcrotonyl-CoA carboxylase 1 deficiency (MCC1D). Also called: MCCD TYPE 1; METHYLCROTONYLGLYCINURIA TYPE I; MCC 1 deficiency; 3 Alpha methylcrotonylglycinuria 1. Identifiers: Orphanet 6, MedGen CN028786, MONDO:0008861, OMIM 210200.

Submission:

Labcorp Genetics (formerly Invitae), Labcorp
Classification: Uncertain significance for 3-methylcrotonyl-CoA carboxylase 1 deficiency. Last evaluated: 2020-02-21. Review status: criteria provided, single submitter. Criteria: Invitae Variant Classification Sherloc (09022015). Collection method: clinical testing. Allele origin: germline.
Comment: In summary, the available evidence is currently insufficient to determine the role of this variant in disease. Therefore, it has been classified as a Variant of Uncertain Significance. Algorithms developed to predict the effect of missense changes on protein structure and function are either unavailable or do not agree on the potential impact of this missense change (SIFT: "Deleterious"; PolyPhen-2: "Probably Damaging"; Align-GVGD: "Class C0"). This variant has not been reported in the literature in individuals with MCCC1-related conditions. This variant is not present in population databases (ExAC no frequency). This sequence change replaces serine with proline at codon 86 of the MCCC1 protein (p.Ser86Pro). The serine residue is highly conserved and there is a moderate physicochemical difference between serine and proline.

NM_020166.5(MCCC1):c.256T>C (p.Ser86Pro)

Gene: MCCC1 (methylcrotonyl-CoA carboxylase subunit 1; minus strand). Cytogenetic location: 3q27.1.
Variant type: single nucleotide variant.
Coding change: c.256T>C on transcript NM_020166.5 (MANE Select); coding-DNA position 256, T replaced by C.
Protein change: p.Ser86Pro; replaces serine 86 with proline.
Molecular consequence: missense variant. On other transcripts: non-coding transcript variant (1), intron variant (2).
Genome position (GRCh38, 1-based): chr3:183,092,426, A>G on the plus strand (T>C on the coding strand, the complement: MCCC1 is on the minus strand). VCF-style: chr3-183092426-A-G. GRCh37 (hg19) VCF-style: chr3-182810214-A-G.
Other names: c.-55+2133T>C (NM_001363880.1); c.44+2133T>C (NM_001293273.2); short protein forms S86P.
Identifiers: ClinVar variation 1057707 (VCV001057707.9), dbSNP rs2108565751, ClinGen allele CA355321568.